The following is an entry in ClinVar:

ClinVar aggregate classification (germline): Uncertain significance. Review status: reviewed by expert panel (3 of 4 stars). 2 submissions from 2 submitters: Uncertain significance (1). 1 of the submissions does not count toward it. Last evaluated 2024-11-13.

Conditions:
Hereditary thrombocytopenia and hematologic cancer predisposition syndrome. Identifiers: Orphanet 71290, MedGen CN281654, MONDO:0011071.
Hereditary thrombocytopenia and hematological cancer predisposition syndrome associated with RUNX1. Also called: PLATELET DISORDER, ASPIRIN-LIKE; RUNX1 Familial Platelet Disorder with Associated Myeloid Malignancies; Familial Platelet Disorder with Propensity to Acute Myelogenous Leukemia; Familial thrombocytopenia with propensity to acute myelogenous leukemia. Identifiers: Orphanet 71290, MedGen C1832388, MeSH C563324, MONDO:0100083, OMIM 601399.

Allele frequency attached by ClinVar (database versions not stated): TOPMed 0.00002; gnomAD 0.00003.

Submissions (2):

ClinGen Myeloid Malignancy Variant Curation Expert Panel
Classification: Uncertain significance for Hereditary thrombocytopenia and hematologic cancer predisposition syndrome. Last evaluated: 2024-11-13. Review status: reviewed by expert panel. Criteria: ClinGen MyeloMalig ACMG Specifications v2. Collection method: curation. Allele origin: germline. Inheritance: Autosomal dominant inheritance.
Comment: NM_001754.5(RUNX1):c.*2347C>A is a 3' UTR variant which does not meet any ACMG/AMP criteria. In summary, the clinical significance of this variant is uncertain. ACMG/AMP criteria applied, as specified by the Myeloid Malignancy Variant Curation Expert Panel for RUNX1: None.

Illumina Laboratory Services, Illumina
Classification: Uncertain significance for Hereditary thrombocytopenia and hematological cancer predisposition syndrome associated with RUNX1. Last evaluated: 2017-04-27. Review status: criteria provided, single submitter. Criteria: ICSL Variant Classification Criteria 13 December 2019. Collection method: clinical testing. Allele origin: germline. Not counted in ClinVar's aggregate classification.

NM_001754.5(RUNX1):c.*2347C>A

Gene: RUNX1 (RUNX family transcription factor 1; minus strand). Cytogenetic location: 21q22.12.
Variant type: single nucleotide variant.
Coding change: c.*2347C>A on transcript NM_001754.5 (MANE Select); 2347 bases downstream of the stop codon, C replaced by A.
Molecular consequence: 3 prime UTR variant.
Genome position (GRCh38, 1-based): chr21:34,789,788, G>T on the plus strand (C>A on the coding strand, the complement: RUNX1 is on the minus strand). VCF-style: chr21-34789788-G-T. GRCh37 (hg19) VCF-style: chr21-36162085-G-T.
Other names: c.*2347C>A (NM_001001890.3).
Identifiers: ClinVar variation 896042 (VCV000896042.5), dbSNP rs984388295, ClinGen allele CA320249638.